The following is an entry in ClinVar:

NM_004329.3(BMPR1A):c.333+6A>C

Gene: BMPR1A (bone morphogenetic protein receptor type 1A; plus strand). Cytogenetic location: 10q23.2.
Variant type: single nucleotide variant.
Coding change: c.333+6A>C on transcript NM_004329.3 (MANE Select); 6 bases into the intron after coding-DNA position 333, A replaced by C.
Molecular consequence: intron variant.
Genome position (GRCh38, 1-based): chr10:86,892,235, A>C. VCF-style: chr10-86892235-A-C. GRCh37 (hg19) VCF-style: chr10-88651992-A-C.
Identifiers: ClinVar variation 630464 (VCV000630464.8), dbSNP rs1473659802, ClinGen allele CA594895979.

ClinVar aggregate classification (germline): Conflicting classifications of pathogenicity. Review status: criteria provided, conflicting classifications (1 of 4 stars). 2 submissions from 2 submitters: Uncertain significance (1); Likely benign (1). Last evaluated 2021-01-21.

Conditions:
Juvenile polyposis syndrome (JPS). Identifiers: Orphanet 2929, MedGen C0345893, MONDO:0017380, OMIM 174900.
Hereditary cancer-predisposing syndrome. Also called: Hereditary Cancer Syndrome; Neoplastic Syndromes, Hereditary; Tumor predisposition; Hereditary neoplastic syndrome. Identifiers: Orphanet 140162, MedGen C0027672, MeSH D009386, MONDO:0015356.

Allele frequency attached by ClinVar (database versions not stated): gnomAD exomes below 0.00001.
gnomAD v4.1: 1 of 1,609,794 alleles (0.000062%); highest among the groups gnomAD compares: Non-Finnish European, 0.000085%; no homozygotes.

Submissions (2):

Labcorp Genetics (formerly Invitae), Labcorp
Classification: Uncertain significance for Juvenile polyposis syndrome. Last evaluated: 2021-01-21. Review status: criteria provided, single submitter. Criteria: Invitae Variant Classification Sherloc (09022015). Collection method: clinical testing. Allele origin: germline.
Comment: This variant has not been reported in the literature in individuals with BMPR1A-related conditions. ClinVar contains an entry for this variant (Variation ID: 630464). This variant is not present in population databases (ExAC no frequency). This sequence change falls in intron 5 of the BMPR1A gene. It does not directly change the encoded amino acid sequence of the BMPR1A protein. It affects a nucleotide within the consensus splice site of the intron. Nucleotide substitutions within the consensus splice site are a relatively common cause of aberrant splicing (PMID: 17576681, 9536098). Algorithms developed to predict the effect of sequence changes on RNA splicing suggest that this variant is not likely to affect RNA splicing, but this prediction has not been confirmed by published transcriptional studies. In summary, the available evidence is currently insufficient to determine the role of this variant in disease. Therefore, it has been classified as a Variant of Uncertain Significance.

Color Diagnostics, LLC DBA Color Health
Classification: Likely benign for Hereditary cancer-predisposing syndrome. Last evaluated: 2017-04-04. Review status: criteria provided, single submitter. Criteria: ACMG Guidelines, 2015. Collection method: clinical testing. Allele origin: germline.

Literature cited by the submitters: PubMed 17576681 (cited by Labcorp Genetics (formerly Invitae), Labcorp); PubMed 9536098 (cited by Labcorp Genetics (formerly Invitae), Labcorp).